The following is an entry in ClinVar:

NM_006030.4(CACNA2D2):c.2616G>A (p.Met872Ile)

Genes: CACNA2D2 (calcium voltage-gated channel auxiliary subunit alpha2delta 2; minus strand), LOC101928965 (uncharacterized LOC101928965; plus strand), LOC127898564 (CYB561D2-LOC101928965; plus strand). Cytogenetic location: 3p21.31.
Variant type: single nucleotide variant.
Coding change: c.2616G>A on transcript NM_006030.4 (MANE Select); coding-DNA position 2616, G replaced by A.
Protein change: p.Met872Ile; replaces methionine 872 with isoleucine.
Molecular consequence: missense variant.
Genome position (GRCh38, 1-based): chr3:50,366,599, C>T on the plus strand (G>A on the coding strand, the complement: CACNA2D2 is on the minus strand). VCF-style: chr3-50366599-C-T. GRCh37 (hg19) VCF-style: chr3-50404030-C-T.
Other names: c.2616G>A, p.Met872Ile (NM_001005505.3); c.2637G>A, p.Met879Ile (NM_001174051.3); c.2409G>A, p.Met803Ile (NM_001291101.1); c.2619G>A, p.Met873Ile (NM_001410768.1); short protein forms M803I, M872I, M873I, M879I.
Identifiers: ClinVar variation 1715366 (VCV001715366.6), dbSNP rs1286525418, ClinGen allele CA352907482.
Genomic context (GRCh38, chr3:50,366,599, plus strand): 5'-GGTAAGCTAGGGTCCAGGGTAGGTTCAGGGCACACACACCTCATTGTTAACCTCGCAGTC[C>T]ATCTCACAGTGGCTGTTGGGGCCGCACTGCTGGGCAGAGAGTGAGGACCGTAAGCCACCC-3'
Protein context (NP_006021.2, residues 862-882): QKCGPNSHCE[Met872Ile]DCEVNNEDLL

ClinVar aggregate classification (germline): Uncertain significance (1 of 4 stars; one submission).

Conditions:
Early-infantile DEE. Also called: Early infantile epileptic encephalopathy with suppression bursts; Early infantile epileptic encephalopathy; Ohtahara syndrome. Identifiers: Orphanet 1934, MedGen C0393706, MONDO:0800491.

Allele frequency attached by ClinVar (database versions not stated): gnomAD exomes below 0.00001.
gnomAD v4.1: 1 of 1,613,992 alleles (0.000062%); highest among the groups gnomAD compares: Admixed American, 0.0017%; no homozygotes.

Submission:

Labcorp Genetics (formerly Invitae), Labcorp
Classification: Uncertain significance for Early-infantile DEE. Last evaluated: 2022-08-22. Review status: criteria provided, single submitter. Criteria: Invitae Variant Classification Sherloc (09022015). Collection method: clinical testing. Allele origin: germline.
Comment: Algorithms developed to predict the effect of missense changes on protein structure and function are either unavailable or do not agree on the potential impact of this missense change (SIFT: "Deleterious"; PolyPhen-2: "Probably Damaging"; Align-GVGD: "Class C0"). In summary, the available evidence is currently insufficient to determine the role of this variant in disease. Therefore, it has been classified as a Variant of Uncertain Significance. Algorithms developed to predict the effect of sequence changes on RNA splicing suggest that this variant may disrupt the consensus splice site. This variant has not been reported in the literature in individuals affected with CACNA2D2-related conditions. This variant is present in population databases (no rsID available, gnomAD 0.003%). This sequence change replaces methionine, which is neutral and non-polar, with isoleucine, which is neutral and non-polar, at codon 872 of the CACNA2D2 protein (p.Met872Ile).